The following is an entry in ClinVar:

ClinVar aggregate classification (germline): Uncertain significance (1 of 4 stars; one submission).

Allele frequency attached by ClinVar (database versions not stated): TOPMed below 0.00001.

Submission:

Labcorp Genetics (formerly Invitae), Labcorp
Classification: Uncertain significance. Last evaluated: 2024-10-29. Review status: criteria provided, single submitter. Criteria: Invitae Variant Classification Sherloc (09022015). Collection method: clinical testing. Allele origin: germline.
Comment: This sequence change replaces alanine, which is neutral and non-polar, with glycine, which is neutral and non-polar, at codon 540 of the CLCN5 protein (p.Ala540Gly). This variant is not present in population databases (gnomAD no frequency). This variant has not been reported in the literature in individuals affected with CLCN5-related conditions. ClinVar contains an entry for this variant (Variation ID: 2791556). Invitae Evidence Modeling of protein sequence and biophysical properties (such as structural, functional, and spatial information, amino acid conservation, physicochemical variation, residue mobility, and thermodynamic stability) indicates that this missense variant is not expected to disrupt CLCN5 protein function with a negative predictive value of 80%. This variant disrupts the p.Ala540 amino acid residue in CLCN5. Other variant(s) that disrupt this residue have been determined to be pathogenic (PMID: 27699523, 29614570, 31947599). This suggests that this residue is clinically significant, and that variants that disrupt this residue are likely to be disease-causing. In summary, the available evidence is currently insufficient to determine the role of this variant in disease. Therefore, it has been classified as a Variant of Uncertain Significance.

Literature cited by the submitters: PubMed 27699523; PubMed 29614570; PubMed 31947599.

NM_001127898.4(CLCN5):c.1829C>G (p.Ala610Gly)

Genes: CLCN5 (chloride voltage-gated channel 5; plus strand), LOC126863258 (BRD4-independent group 4 enhancer GRCh37_chrX:49854497-49855696; plus strand). Cytogenetic location: Xp11.23.
Variant type: single nucleotide variant.
Coding change: c.1829C>G on transcript NM_001127898.4 (MANE Select); coding-DNA position 1829, C replaced by G.
Protein change: p.Ala610Gly; replaces alanine 610 with glycine.
Molecular consequence: missense variant.
Genome position (GRCh38, 1-based): chrX:50,090,200, C>G. VCF-style: chrX-50090200-C-G. GRCh37 (hg19) VCF-style: chrX-49854857-C-G.
Other names: c.1829C>G, p.Ala610Gly (NM_001127899.4); c.1679C>G, p.Ala560Gly (NM_001282163.2); c.1619C>G, p.Ala540Gly (NM_000084.5); short protein forms A540G, A610G, A560G.
Identifiers: ClinVar variation 2791556 (VCV002791556.3), dbSNP rs1934040070, ClinGen allele CA413189022.